The following is an entry in ClinVar:

ClinVar aggregate classification (germline): Likely benign (1 of 4 stars; one submission).

Submission:

GeneDx
Classification: Likely benign. Last evaluated: 2017-07-24. Review status: criteria provided, single submitter. Criteria: GeneDx Variant Classification (06012015). Collection method: clinical testing. Allele origin: germline. Affected: yes.
Comment: This variant is considered likely benign or benign based on one or more of the following criteria: it is a conservative change, it occurs at a poorly conserved position in the protein, it is predicted to be benign by multiple in silico algorithms, and/or has population frequency not consistent with disease.

NM_001164508.2(NEB):c.14015A>G (p.Asn4672Ser)

Gene: NEB (nebulin; minus strand). Cytogenetic location: 2q23.3.
Variant type: single nucleotide variant.
Coding change: c.14015A>G on transcript NM_001164508.2 (MANE Select); coding-DNA position 14015, A replaced by G.
Protein change: p.Asn4672Ser; replaces asparagine 4672 with serine.
Molecular consequence: missense variant. On other transcripts: intron variant (1).
Genome position (GRCh38, 1-based): chr2:151,597,040, T>C on the plus strand (A>G on the coding strand, the complement: NEB is on the minus strand). VCF-style: chr2-151597040-T-C. GRCh37 (hg19) VCF-style: chr2-152453554-T-C.
Other names: c.14015A>G, p.Asn4672Ser (NM_001164507.2, NM_001271208.2); c.11601+12769A>G (NM_004543.5); short protein forms N4672S.
Identifiers: ClinVar variation 510960 (VCV000510960.1), dbSNP rs1553861662, ClinGen allele CA348767462.